The following is an entry in ClinVar:

ClinVar aggregate classification (germline): Likely benign. Review status: criteria provided, multiple submitters, no conflicts (2 of 4 stars). 3 submissions from 3 submitters: Likely benign (2). 1 of the submissions does not count toward it. Last evaluated 2026-07-01.

Conditions:
Hereditary persistence of fetal hemoglobin-beta-thalassemia syndrome. Identifiers: Orphanet 46532, MedGen C0271994, MONDO:0018749.
ZBTB7A-related disorder. Also called: ZBTB7A-related condition.

gnomAD v4.1: 1,206 of 1,427,964 alleles (0.084%); highest among the groups gnomAD compares: Non-Finnish European, 0.1%; 1 homozygote.

Submissions (3):

CeGaT Center for Human Genetics Tuebingen
Classification: Likely benign. Last evaluated: 2026-07-01. Review status: criteria provided, single submitter. Criteria: CeGaT Center For Human Genetics Tuebingen Variant Classification Criteria Version 2. Collection method: clinical testing. Allele origin: germline. Affected: yes. Observed: 2 variant alleles.
Comment: ZBTB7A: BS1

PreventionGenetics, part of Exact Sciences
Classification: Likely benign for ZBTB7A-related condition. Last evaluated: 2024-12-10. Review status: criteria provided, single submitter. Criteria: ACMG Guidelines, 2015. Collection method: clinical testing. Allele origin: germline.
Comment: This variant is classified as likely benign based on ACMG/AMP sequence variant interpretation guidelines (Richards et al. 2015 PMID: 25741868, with internal and published modifications).

Medical Genetics, Medicine Faculty, Yozgat Bozok University
Classification: Uncertain risk allele for Hereditary persistence of fetal hemoglobin-beta-thalassemia syndrome. Last evaluated: 2025-09-12. Review status: no assertion criteria provided. Collection method: research. Allele origin: germline. Affected: yes. Observed: 1 variant allele. Not counted in ClinVar's aggregate classification.

NM_015898.4(ZBTB7A):c.722C>T (p.Pro241Leu)

Gene: ZBTB7A (zinc finger and BTB domain containing 7A; minus strand). Cytogenetic location: 19p13.3.
Variant type: single nucleotide variant.
Coding change: c.722C>T on transcript NM_015898.4 (MANE Select); coding-DNA position 722, C replaced by T.
Protein change: p.Pro241Leu; replaces proline 241 with leucine.
Molecular consequence: missense variant.
Genome position (GRCh38, 1-based): chr19:4,054,511, G>A on the plus strand (C>T on the coding strand, the complement: ZBTB7A is on the minus strand). VCF-style: chr19-4054511-G-A. GRCh37 (hg19) VCF-style: chr19-4054509-G-A.
Other names: c.722C>T, p.Pro241Leu (NM_001317990.2); c.722C>T (NM_001317990.1); short protein forms P241L.
Identifiers: ClinVar variation 4083487 (VCV004083487.4).
Genomic context (GRCh38, chr19:4,054,511, plus strand): 5'-ACCGGCGGCGGAAAGAGACCCCCGGTGGGGGCGTCCTCATCCCGCTCTGGCCACAGACCC[G>A]GGTTGCTGTCGCCCTCGTCCCCGTCCCCCGTCGGGGGCCGCTCGGCCGGGGGGCCCGGCC-3'
Protein context (NP_056982.1, residues 231-251): TGDGDEGDSN[Pro241Leu]GLWPERDEDA